The following is an entry in ClinVar:

NM_000212.3(ITGB3):c.1035+1G>A

Gene: ITGB3 (integrin subunit beta 3; plus strand). Cytogenetic location: 17q21.32.
Variant type: single nucleotide variant.
Coding change: c.1035+1G>A on transcript NM_000212.3 (MANE Select); the canonical splice donor site of the intron after coding-DNA position 1035, G replaced by A.
Molecular consequence: splice donor variant.
Genome position (GRCh38, 1-based): chr17:47,289,777, G>A. VCF-style: chr17-47289777-G-A. GRCh37 (hg19) VCF-style: chr17-45367143-G-A.
Identifiers: ClinVar variation 2902958 (VCV002902958.3), dbSNP rs2547617833, ClinGen allele CA400025839.

ClinVar aggregate classification (germline): Likely pathogenic (1 of 4 stars; one submission).

Submission:

Labcorp Genetics (formerly Invitae), Labcorp
Classification: Likely pathogenic. Last evaluated: 2023-06-21. Review status: criteria provided, single submitter. Criteria: Invitae Variant Classification Sherloc (09022015). Collection method: clinical testing. Allele origin: germline.
Comment: Algorithms developed to predict the effect of sequence changes on RNA splicing suggest that this variant may disrupt the consensus splice site. In summary, the currently available evidence indicates that the variant is pathogenic, but additional data are needed to prove that conclusively. Therefore, this variant has been classified as Likely Pathogenic. This sequence change affects a donor splice site in intron 7 of the ITGB3 gene. It is expected to disrupt RNA splicing. Variants that disrupt the donor or acceptor splice site typically lead to a loss of protein function (PMID: 16199547), and loss-of-function variants in ITGB3 are known to be pathogenic (PMID: 21917754). This variant is not present in population databases (gnomAD no frequency). This variant has not been reported in the literature in individuals affected with ITGB3-related conditions.

Literature cited by the submitters: PubMed 16199547; PubMed 21917754.